The following is an entry in ClinVar:

NM_018406.7(MUC4):c.9309G>C (p.Thr3103=)

Gene: MUC4 (mucin 4, cell surface associated). Cytogenetic location: 3q29.
Variant type: single nucleotide variant.
Coding change: c.9309G>C on transcript NM_018406.7 (MANE Select); coding-DNA position 9309, G replaced by C.
Protein change: p.Thr3103=; no amino-acid change (threonine 3103 retained).
Molecular consequence: synonymous variant. On other transcripts: intron variant (2).
Genome position (GRCh38, 1-based): chr3:195,782,271, C>G on the plus strand (G>C on the coding strand, the complement: MUC4 is on the minus strand). VCF-style: chr3-195782271-C-G. GRCh37 (hg19) VCF-style: chr3-195509142-C-G.
Other names: c.83-7966G>C (NM_138297.5); c.83-3816G>C (NM_004532.6).
Identifiers: ClinVar variation 4533486 (VCV004533486.6).

ClinVar aggregate classification (germline): Likely benign (1 of 4 stars; one submission).

Submission:

CeGaT Center for Human Genetics Tuebingen
Classification: Likely benign. Last evaluated: 2025-11-01. Review status: criteria provided, single submitter. Criteria: CeGaT Center For Human Genetics Tuebingen Variant Classification Criteria Version 2. Collection method: clinical testing. Allele origin: germline. Affected: yes. Observed: 1 variant allele.
Comment: MUC4: BP4, BP7